The following is an entry in ClinVar:

ClinVar aggregate classification (germline): Uncertain significance (1 of 4 stars; one submission).

Submission:

GeneDx
Classification: Uncertain significance. Last evaluated: 2022-08-26. Review status: criteria provided, single submitter. Criteria: GeneDx Variant Classification Process June 2021. Collection method: clinical testing. Allele origin: germline. Affected: yes.
Comment: Not observed at significant frequency in large population cohorts (gnomAD); In silico analysis supports that this missense variant has a deleterious effect on protein structure/function; Has not been previously published as pathogenic or benign to our knowledge

NM_005660.3(SLC35A2):c.367A>G (p.Thr123Ala)

Gene: SLC35A2 (solute carrier family 35 member A2; minus strand). Cytogenetic location: Xp11.23.
Variant type: single nucleotide variant.
Coding change: c.367A>G on transcript NM_005660.3 (MANE Select); coding-DNA position 367, A replaced by G.
Protein change: p.Thr123Ala; replaces threonine 123 with alanine.
Molecular consequence: missense variant.
Genome position (GRCh38, 1-based): chrX:48,906,451, T>C on the plus strand (A>G on the coding strand, the complement: SLC35A2 is on the minus strand). VCF-style: chrX-48906451-T-C. GRCh37 (hg19) VCF-style: chrX-48763728-T-C.
Other names: c.367A>G, p.Thr123Ala (NM_001032289.3, NM_001042498.3, NM_001282647.2); c.295A>G, p.Thr99Ala (NM_001282648.2); c.184A>G, p.Thr62Ala (NM_001282649.2); c.406A>G, p.Thr136Ala (NM_001282650.2); c.451A>G, p.Thr151Ala (NM_001282651.2); short protein forms T123A, T136A, T151A, T62A, T99A.
Identifiers: ClinVar variation 2442756 (VCV002442756.1), dbSNP rs2519651351, ClinGen allele CA412896587.